The following is an entry in ClinVar:

NM_001813.3(CENPE):c.1063C>A (p.Leu355Ile)

Gene: CENPE (centromere protein E; minus strand). Cytogenetic location: 4q24.
Variant type: single nucleotide variant.
Coding change: c.1063C>A on transcript NM_001813.3 (MANE Select); coding-DNA position 1063, C replaced by A.
Protein change: p.Leu355Ile; replaces leucine 355 with isoleucine.
Molecular consequence: missense variant.
Genome position (GRCh38, 1-based): chr4:103,181,357, G>T on the plus strand (C>A on the coding strand, the complement: CENPE is on the minus strand). VCF-style: chr4-103181357-G-T. GRCh37 (hg19) VCF-style: chr4-104102514-G-T.
Other names: c.1063C>A, p.Leu355Ile (NM_001286734.2); short protein forms L355I.
Identifiers: ClinVar variation 3372162 (VCV003372162.1).

ClinVar aggregate classification (germline): Uncertain significance (1 of 4 stars; one submission).

Submission:

GeneDx
Classification: Uncertain significance. Last evaluated: 2024-04-29. Review status: criteria provided, single submitter. Criteria: GeneDx Variant Classification Process June 2021. Collection method: clinical testing. Allele origin: germline. Affected: yes.
Comment: Not observed at significant frequency in large population cohorts (gnomAD); In silico analysis indicates that this missense variant does not alter protein structure/function; Has not been previously published as pathogenic or benign to our knowledge